The following is an entry in ClinVar:

ClinVar aggregate classification (germline): Uncertain significance (1 of 4 stars; one submission).

Conditions:
Hereditary spastic paraplegia 4. Also called: Spastic paraplegia 4, autosomal dominant; Spastic Paraplegia 4; Familial spastic paraplegia autosomal dominant 2. Identifiers: Orphanet 100985, MedGen C1866855, MONDO:0008438, OMIM 182601.

Submission:

Labcorp Genetics (formerly Invitae), Labcorp
Classification: Uncertain significance for Hereditary spastic paraplegia 4. Last evaluated: 2023-12-21. Review status: criteria provided, single submitter. Criteria: Invitae Variant Classification Sherloc (09022015). Collection method: clinical testing. Allele origin: germline.
Comment: This sequence change replaces leucine, which is neutral and non-polar, with valine, which is neutral and non-polar, at codon 558 of the SPAST protein (p.Leu558Val). This variant is not present in population databases (gnomAD no frequency). This variant has not been reported in the literature in individuals affected with SPAST-related conditions. ClinVar contains an entry for this variant (Variation ID: 2024444). Advanced modeling of protein sequence and biophysical properties (such as structural, functional, and spatial information, amino acid conservation, physicochemical variation, residue mobility, and thermodynamic stability) performed at Invitae indicates that this missense variant is not expected to disrupt SPAST protein function with a negative predictive value of 80%. This variant disrupts the p.Leu558 amino acid residue in SPAST. Other variant(s) that disrupt this residue have been observed in individuals with SPAST-related conditions (PMID: 20718791, 30476002), which suggests that this may be a clinically significant amino acid residue. In summary, the available evidence is currently insufficient to determine the role of this variant in disease. Therefore, it has been classified as a Variant of Uncertain Significance.

Literature cited by the submitters: PubMed 20718791; PubMed 30476002.

NM_014946.4(SPAST):c.1672C>G (p.Leu558Val)

Gene: SPAST (spastin; plus strand). Cytogenetic location: 2p22.3.
Variant type: single nucleotide variant.
Coding change: c.1672C>G on transcript NM_014946.4 (MANE Select); coding-DNA position 1672, C replaced by G.
Protein change: p.Leu558Val; replaces leucine 558 with valine.
Molecular consequence: missense variant. On other transcripts: intron variant (1).
Genome position (GRCh38, 1-based): chr2:32,144,992, C>G. VCF-style: chr2-32144992-C-G. GRCh37 (hg19) VCF-style: chr2-32370061-C-G.
Other names: c.1573C>G, p.Leu525Val (NM_001363875.2); c.1576C>G, p.Leu526Val (NM_199436.2); c.1520+1577C>G (NM_001377959.1); c.1669C>G, p.Leu557Val (NM_001363823.2); short protein forms L525V, L526V, L558V, L557V.
Identifiers: ClinVar variation 2024444 (VCV002024444.4), dbSNP rs2465908372, ClinGen allele CA346504269.